The following is an entry in ClinVar:

NM_003982.4(SLC7A7):c.1322T>G (p.Ile441Ser)

Gene: SLC7A7 (solute carrier family 7 member 7; minus strand). Cytogenetic location: 14q11.2.
Variant type: single nucleotide variant.
Coding change: c.1322T>G on transcript NM_003982.4 (MANE Select); coding-DNA position 1322, T replaced by G.
Protein change: p.Ile441Ser; replaces isoleucine 441 with serine.
Molecular consequence: missense variant.
Genome position (GRCh38, 1-based): chr14:22,774,040, A>C on the plus strand (T>G on the coding strand, the complement: SLC7A7 is on the minus strand). VCF-style: chr14-22774040-A-C. GRCh37 (hg19) VCF-style: chr14-23243249-A-C.
Other names: c.1322T>G, p.Ile441Ser (NM_001126105.3, NM_001126106.4); short protein forms I441S.
Identifiers: ClinVar variation 1910647 (VCV001910647.2), dbSNP rs2501833177, ClinGen allele CA388921278.

ClinVar aggregate classification (germline): Uncertain significance (1 of 4 stars; one submission).

Conditions:
Lysinuric protein intolerance (LPI). Identifiers: Orphanet 470, MedGen C0268647, MONDO:0009109, OMIM 222700.

Allele frequency attached by ClinVar (database versions not stated): gnomAD exomes below 0.00001.
gnomAD v4.1: 1 of 1,614,104 alleles (0.000062%); highest among the groups gnomAD compares: Non-Finnish European, 0.000085%; no homozygotes.

Submission:

Labcorp Genetics (formerly Invitae), Labcorp
Classification: Uncertain significance for Lysinuric protein intolerance. Last evaluated: 2022-07-16. Review status: criteria provided, single submitter. Criteria: Invitae Variant Classification Sherloc (09022015). Collection method: clinical testing. Allele origin: germline.
Comment: This sequence change replaces isoleucine, which is neutral and non-polar, with serine, which is neutral and polar, at codon 441 of the SLC7A7 protein (p.Ile441Ser). This variant is not present in population databases (gnomAD no frequency). This variant has not been reported in the literature in individuals affected with SLC7A7-related conditions. Algorithms developed to predict the effect of missense changes on protein structure and function are either unavailable or do not agree on the potential impact of this missense change (SIFT: "Tolerated"; PolyPhen-2: "Possibly Damaging"; Align-GVGD: "Class C0"). In summary, the available evidence is currently insufficient to determine the role of this variant in disease. Therefore, it has been classified as a Variant of Uncertain Significance.